The following is an entry in ClinVar:

ClinVar aggregate classification (germline): Uncertain significance. Review status: criteria provided, single submitter (1 of 4 stars). 2 submissions from 2 submitters: Uncertain significance (1). 1 of the submissions does not count toward it. Last evaluated 2022-05-05.

Conditions:
PSTPIP1-related disorder. Also called: PSTPIP1-related condition.
Pyogenic arthritis-pyoderma gangrenosum-acne syndrome (PAPA). Also called: FAMILIAL RECURRENT ARTHRITIS; PAPA SYNDROME. Identifiers: Orphanet 69126, MedGen C1858361, MONDO:0011462, OMIM 604416.

Allele frequency attached by ClinVar (database versions not stated): gnomAD exomes 0.00001; TOPMed 0.00001.
gnomAD v4.1: 4 of 456,442 alleles (0.00088%); highest among the groups gnomAD compares: Non-Finnish European, 0.0018%; no homozygotes.

Submissions (2):

Department of Pathology and Laboratory Medicine, Sinai Health System
Classification: Uncertain significance for pyogenic arthritis-pyoderma gangrenosum-acne syndrome. Last evaluated: 2022-05-05. Review status: criteria provided, single submitter. Criteria: ACMG Guidelines, 2015. Collection method: research. Allele origin: germline.

PreventionGenetics, part of Exact Sciences
Classification: Uncertain significance for PSTPIP1-related condition. Last evaluated: 2024-02-20. Review status: no assertion criteria provided. Collection method: clinical testing. Allele origin: germline. Not counted in ClinVar's aggregate classification.
Comment: The PSTPIP1 c.9+2C>T variant is predicted to interfere with splicing. To our knowledge, this variant has not been reported in the literature or in a large population database, indicating this variant is rare. This variant is predicted to disrupt a canonical splice junction of an alternate transcript that may not get expressed, according to GTEx data in gnomAD. Although we suspect this variant is more likely to be benign, at this time its clinical significance is uncertain due to insufficient functional and genetic evidence.

NM_003978.5(PSTPIP1):c.37-10081C>T

Gene: PSTPIP1 (proline-serine-threonine phosphatase interacting protein 1; plus strand). Cytogenetic location: 15q24.3.
Variant type: single nucleotide variant.
Coding change: c.37-10081C>T on transcript NM_003978.5 (MANE Select); 10081 bases into the intron before coding-DNA position 37, C replaced by T.
Molecular consequence: intron variant. On other transcripts: splice donor variant (1).
Genome position (GRCh38, 1-based): chr15:77,008,067, C>T. VCF-style: chr15-77008067-C-T. GRCh37 (hg19) VCF-style: chr15-77300408-C-T.
Other names: c.232-10081C>T (NM_001321137.1); c.9+2C>T (NM_001321136.2); c.37-10081C>T (NM_001321135.2, NM_001411086.1).
Identifiers: ClinVar variation 3036771 (VCV003036771.3), dbSNP rs1020233393, ClinGen allele CA715831082.
Genomic context (GRCh38, chr15:77,008,067, plus strand): 5'-GCATCAGGACATCAGACTACAGGTGGTAGGAAGACCCAGAACAGCTGAGGATGGTTCAGG[C>T]AAGCAGAGCTGGGGGTGGAGGGCGGGAGATCAGCACAGAAGTCTGGATCAGTGTCCCTGG-3'